The following is an entry in ClinVar:

NM_000088.4(COL1A1):c.497G>T (p.Gly166Val)

Gene: COL1A1 (collagen type I alpha 1 chain; minus strand). Cytogenetic location: 17q21.33.
Variant type: single nucleotide variant.
Coding change: c.497G>T on transcript NM_000088.4 (MANE Select); coding-DNA position 497, G replaced by T.
Protein change: p.Gly166Val; replaces glycine 166 with valine.
Molecular consequence: missense variant.
Genome position (GRCh38, 1-based): chr17:50,198,479, C>A on the plus strand (G>T on the coding strand, the complement: COL1A1 is on the minus strand). VCF-style: chr17-50198479-C-A. GRCh37 (hg19) VCF-style: chr17-48275840-C-A.
Other names: c.497G>T (NM_000088.3); short protein forms G166V.
Identifiers: ClinVar variation 1052477 (VCV001052477.12), dbSNP rs372514953, ClinGen allele CA291548354.

ClinVar aggregate classification (germline): Conflicting classifications of pathogenicity. Review status: criteria provided, conflicting classifications (1 of 4 stars). 4 submissions from 4 submitters: Uncertain significance (3); Likely benign (1). Last evaluated 2025-08-11.

Conditions:
Osteogenesis imperfecta type I (OI1). Also called: Lobstein's Disease; Osteogenesis imperfecta type 1; OI, TYPE I; OSTEOGENESIS IMPERFECTA TARDA; OSTEOGENESIS IMPERFECTA WITH BLUE SCLERAE; Lobstein disease. Identifiers: Orphanet 216796, Orphanet 666, MedGen C0023931, MONDO:0008146, OMIM 166200. Disease mechanism: loss of function.
Cardiovascular phenotype. Identifiers: MedGen CN230736.

Allele frequency attached by ClinVar (database versions not stated): TOPMed below 0.00001; gnomAD 0.00001; gnomAD exomes 0.00001 and 0.00004; ESP Exome Variant Server 0.00008.
gnomAD v4.1: 56 of 1,613,266 alleles (0.0035%); highest among the groups gnomAD compares: Non-Finnish European, 0.0045%; no homozygotes.

Submissions (4):

Ambry Genetics
Classification: Uncertain significance for Cardiovascular phenotype. Last evaluated: 2025-08-11. Review status: criteria provided, single submitter. Criteria: Ambry Variant Classification Scheme 2023. Collection method: clinical testing. Allele origin: germline.
Comment: The p.G166V variant (also known as c.497G>T), located in coding exon 6 of the COL1A1 gene, results from a G to T substitution at nucleotide position 497. The glycine at codon 166 is replaced by valine, an amino acid with dissimilar properties. This amino acid position is well conserved in available vertebrate species. In addition, this alteration is predicted to be deleterious by in silico analysis. Based on the available evidence, the clinical significance of this variant remains unclear.

GeneDx
Classification: Uncertain significance. Last evaluated: 2025-03-14. Review status: criteria provided, single submitter. Criteria: GeneDx Variant Classification Process June 2021. Collection method: clinical testing. Allele origin: germline.
Comment: Not observed at significant frequency in large population cohorts (gnomAD); In silico analysis supports that this missense variant has a deleterious effect on protein structure/function; Has not been previously published as pathogenic or benign to our knowledge; Not located in the triple helical region, where the majority of pathogenic missense variants occur (HGMD)

Labcorp Genetics (formerly Invitae), Labcorp
Classification: Uncertain significance for Osteogenesis imperfecta type I. Last evaluated: 2022-09-16. Review status: criteria provided, single submitter. Criteria: Invitae Variant Classification Sherloc (09022015). Collection method: clinical testing. Allele origin: germline.
Comment: This sequence change replaces glycine, which is neutral and non-polar, with valine, which is neutral and non-polar, at codon 166 of the COL1A1 protein (p.Gly166Val). The frequency data for this variant in the population databases is considered unreliable, as metrics indicate poor data quality at this position in the gnomAD database. This variant has not been reported in the literature in individuals affected with COL1A1-related conditions. ClinVar contains an entry for this variant (Variation ID: 1052477). Advanced modeling of protein sequence and biophysical properties (such as structural, functional, and spatial information, amino acid conservation, physicochemical variation, residue mobility, and thermodynamic stability) has been performed at Invitae for this missense variant, however the output from this modeling did not meet the statistical confidence thresholds required to predict the impact of this variant on COL1A1 protein function. In summary, the available evidence is currently insufficient to determine the role of this variant in disease. Therefore, it has been classified as a Variant of Uncertain Significance.

Blueprint Genetics
Classification: Likely benign. Last evaluated: 2019-12-04. Review status: criteria provided, single submitter. Criteria: ACMG Guidelines, 2015. Collection method: clinical testing. Allele origin: germline.